The following is an entry in ClinVar:

NM_014271.4(IL1RAPL1):c.1282C>T (p.Arg428Cys)

Gene: IL1RAPL1 (interleukin 1 receptor accessory protein like 1; plus strand). Cytogenetic location: Xp21.2.
Variant type: single nucleotide variant.
Coding change: c.1282C>T on transcript NM_014271.4 (MANE Select); coding-DNA position 1282, C replaced by T.
Protein change: p.Arg428Cys; replaces arginine 428 with cysteine.
Molecular consequence: missense variant.
Genome position (GRCh38, 1-based): chrX:29,954,602, C>T. VCF-style: chrX-29954602-C-T. GRCh37 (hg19) VCF-style: chrX-29972719-C-T.
Other names: short protein forms R428C.
Identifiers: ClinVar variation 3369300 (VCV003369300.1).
Genomic context (GRCh38, chrX:29,954,602, plus strand): 5'-TACTTATCATACACCAAAGTGGATCCTGACCAGTGGAATCAAGAGACTGGGGAAGAAGAA[C>T]GTTTTGCCCTTGAAATCCTACCTGATATGCTTGAAAAGCATTATGGATATAAGTTGTTTA-3'
Protein context (NP_055086.1, residues 418-438): QWNQETGEEE[Arg428Cys]FALEILPDML

ClinVar aggregate classification (germline): Uncertain significance (1 of 4 stars; one submission).

gnomAD v4.1: 1 of 1,201,335 alleles (0.000083%); highest among the groups gnomAD compares: South Asian, 0.0018%; no homozygotes.

Submission:

GeneDx
Classification: Uncertain significance. Last evaluated: 2024-04-24. Review status: criteria provided, single submitter. Criteria: GeneDx Variant Classification Process June 2021. Collection method: clinical testing. Allele origin: germline. Affected: yes.
Comment: Has not been previously published as pathogenic or benign to our knowledge; In silico analysis supports that this missense variant does not alter protein structure/function